The following is an entry in ClinVar:

ClinVar aggregate classification (germline): Uncertain significance. Review status: criteria provided, multiple submitters, no conflicts (2 of 4 stars). 2 submissions from 2 submitters: Uncertain significance (2). Last evaluated 2025-11-20.

Submissions (2):

Ambry Genetics
Classification: Uncertain significance. Last evaluated: 2025-11-20. Review status: criteria provided, single submitter. Criteria: Ambry Variant Classification Scheme 2023. Collection method: clinical testing. Allele origin: germline.

Labcorp Genetics (formerly Invitae), Labcorp
Classification: Uncertain significance. Last evaluated: 2024-08-04. Review status: criteria provided, single submitter. Criteria: Invitae Variant Classification Sherloc (09022015). Collection method: clinical testing. Allele origin: germline.
Comment: This sequence change replaces arginine, which is basic and polar, with glutamine, which is neutral and polar, at codon 1233 of the MYH7B protein (p.Arg1233Gln). This variant is present in population databases (rs770122138, gnomAD 0.03%). This variant has not been reported in the literature in individuals affected with MYH7B-related conditions. An algorithm developed to predict the effect of missense changes on protein structure and function (PolyPhen-2) suggests that this variant is likely to be tolerated. In summary, the available evidence is currently insufficient to determine the role of this variant in disease. Therefore, it has been classified as a Variant of Uncertain Significance.

NM_020884.7(MYH7B):c.3572G>A (p.Arg1191Gln)

Gene: MYH7B (myosin heavy chain 7B; plus strand). Cytogenetic location: 20q11.22.
Variant type: single nucleotide variant.
Coding change: c.3572G>A on transcript NM_020884.7 (MANE Select); coding-DNA position 3572, G replaced by A.
Protein change: p.Arg1191Gln; replaces arginine 1191 with glutamine.
Molecular consequence: missense variant.
Genome position (GRCh38, 1-based): chr20:34,997,465, G>A. VCF-style: chr20-34997465-G-A. GRCh37 (hg19) VCF-style: chr20-33585268-G-A.
Other names: c.3698G>A (NM_020884.3); short protein forms R1191Q.
Identifiers: ClinVar variation 3714372 (VCV003714372.3).